The following is an entry in ClinVar:

ClinVar aggregate classification (germline): Uncertain significance (1 of 4 stars; one submission).

Conditions:
Ehlers-Danlos syndrome, kyphoscoliotic type 1 (EDSKSCL1). Also called: PLOD1-Related Kyphoscoliotic Ehlers-Danlos Syndrome; Ehlers-Danlos syndrome, hydroxylysine-deficient; EHLERS-DANLOS SYNDROME, OCULAR-SCOLIOTIC TYPE; EHLERS-DANLOS SYNDROME, TYPE VIA. Identifiers: Orphanet 1900, MedGen C0268342, MONDO:0016002, OMIM 225400. Disease mechanism: loss of function.

Submission:

Labcorp Genetics (formerly Invitae), Labcorp
Classification: Uncertain significance for Ehlers-Danlos syndrome, kyphoscoliotic type 1. Last evaluated: 2026-01-17. Review status: criteria provided, single submitter. Criteria: Invitae Variant Classification Sherloc (09022015). Collection method: clinical testing. Allele origin: germline.
Comment: This sequence change replaces aspartic acid, which is acidic and polar, with asparagine, which is neutral and polar, at codon 177 of the PLOD1 protein (p.Asp177Asn). This variant is not present in population databases (gnomAD no frequency). This variant has not been reported in the literature in individuals affected with PLOD1-related conditions. Invitae Evidence Modeling of protein sequence and biophysical properties (such as structural, functional, and spatial information, amino acid conservation, physicochemical variation, residue mobility, and thermodynamic stability) indicates that this missense variant is not expected to disrupt PLOD1 protein function with a negative predictive value of 95%. In summary, the available evidence is currently insufficient to determine the role of this variant in disease. Therefore, it has been classified as a Variant of Uncertain Significance.

NM_000302.4(PLOD1):c.529G>A (p.Asp177Asn)

Gene: PLOD1 (procollagen-lysine,2-oxoglutarate 5-dioxygenase 1; plus strand). Cytogenetic location: 1p36.22.
Variant type: single nucleotide variant.
Coding change: c.529G>A on transcript NM_000302.4 (MANE Select); coding-DNA position 529, G replaced by A.
Protein change: p.Asp177Asn; replaces aspartic acid 177 with asparagine.
Molecular consequence: missense variant.
Genome position (GRCh38, 1-based): chr1:11,952,685, G>A. VCF-style: chr1-11952685-G-A. GRCh37 (hg19) VCF-style: chr1-12012742-G-A.
Other names: c.670G>A, p.Asp224Asn (NM_001316320.2); short protein forms D177N, D224N.
Identifiers: ClinVar variation 4709173 (VCV004709173.1).
Genomic context (GRCh38, chr1:11,952,685, plus strand): 5'-TTCATCGGTTATGCCCCCAACCTCAGCAAACTGGTGGCCGAGTGGGAGGGCCAGGACAGC[G>A]ACAGCGATCAGCTGTTTTACACCAAGATCTTCTTGGACCCGGAGAAGAGGGTAAGAGGCA-3'
Protein context (NP_000293.2, residues 167-187): LVAEWEGQDS[Asp177Asn]SDQLFYTKIF